The following is an entry in ClinVar:

NM_198253.3(TERT):c.2583-2A>C

Gene: TERT (telomerase reverse transcriptase; minus strand). Cytogenetic location: 5p15.33.
Variant type: single nucleotide variant.
Coding change: c.2583-2A>C on transcript NM_198253.3 (MANE Select); the canonical splice acceptor site of the intron before coding-DNA position 2583, A replaced by C.
Molecular consequence: splice acceptor variant.
Genome position (GRCh38, 1-based): chr5:1,266,537, T>G on the plus strand (A>C on the coding strand, the complement: TERT is on the minus strand). VCF-style: chr5-1266537-T-G. GRCh37 (hg19) VCF-style: chr5-1266652-T-G.
Other names: IVS9AS, A-C, -2; c.2583-2A>C (NM_001193376.3).
Identifiers: ClinVar variation 36944 (VCV000036944.4), dbSNP rs111576740, ClinGen allele CA129978.

ClinVar aggregate classification (germline): Pathogenic. Review status: no assertion criteria provided (0 of 4 stars). 2 submissions from 2 submitters: Pathogenic (2). Last evaluated 2012-05-10.

Conditions:
Pulmonary fibrosis and/or bone marrow failure, Telomere-related, 1. Also called: PULMONARY FIBROSIS AND/OR BONE MARROW FAILURE SYNDROME, TELOMERE-RELATED, 1. Identifiers: Orphanet 88, MedGen C3553617, MONDO:0013878, OMIM 614742.
Interstitial lung disease 2 (ILD2). Also called: Familial idiopathic pulmonary fibrosis; FIBROCYSTIC PULMONARY DYSPLASIA; FIBROSING ALVEOLITIS, CRYPTOGENIC. Identifiers: Orphanet 2032, Orphanet 79126, MedGen C5561926, MONDO:0800497, OMIM 178500, MONDO:0800029.

Allele frequency attached by ClinVar (database versions not stated): TOPMed below 0.00001.

Submissions (2):

GeneReviews
Classification: Pathogenic for Dyskeratosis Congenita. Last evaluated: 2012-05-10. Review status: no assertion criteria provided. Collection method: curation. Allele origin: unknown.
ClinVar note: Converted during submission from pathologic to Pathogenic.

OMIM
Classification: Pathogenic for PULMONARY FIBROSIS AND/OR BONE MARROW FAILURE SYNDROME, TELOMERE-RELATED, 1. Last evaluated: 2007-03-29. Review status: no assertion criteria provided. Collection method: literature only. Allele origin: germline.

Literature cited by the submitters: PubMed 17392301 (cited by OMIM).